The following is an entry in ClinVar:

ClinVar aggregate classification (germline): Uncertain significance (1 of 4 stars; one submission).

Conditions:
Hyperekplexia 3 (HKPX3). Also called: HYPEREKPLEXIA 3, AUTOSOMAL RECESSIVE; HYPEREKPLEXIA 3, AUTOSOMAL DOMINANT. Identifiers: Orphanet 3197, MedGen C3553288, MONDO:0013827, OMIM 614618.

Submission:

Labcorp Genetics (formerly Invitae), Labcorp
Classification: Uncertain significance for Hyperekplexia 3. Last evaluated: 2022-07-06. Review status: criteria provided, single submitter. Criteria: Invitae Variant Classification Sherloc (09022015). Collection method: clinical testing. Allele origin: germline.
Comment: ClinVar contains an entry for this variant (Variation ID: 1353349). This variant has not been reported in the literature in individuals affected with SLC6A5-related conditions. This variant is not present in population databases (gnomAD no frequency). This sequence change replaces proline, which is neutral and non-polar, with leucine, which is neutral and non-polar, at codon 36 of the SLC6A5 protein (p.Pro36Leu). Algorithms developed to predict the effect of missense changes on protein structure and function are either unavailable or do not agree on the potential impact of this missense change (SIFT: "Deleterious"; PolyPhen-2: "Possibly Damaging"; Align-GVGD: "Class C0"). In summary, the available evidence is currently insufficient to determine the role of this variant in disease. Therefore, it has been classified as a Variant of Uncertain Significance.

NM_004211.5(SLC6A5):c.107C>T (p.Pro36Leu)

Gene: SLC6A5 (solute carrier family 6 member 5; plus strand). Cytogenetic location: 11p15.1.
Variant type: single nucleotide variant.
Coding change: c.107C>T on transcript NM_004211.5 (MANE Select); coding-DNA position 107, C replaced by T.
Protein change: p.Pro36Leu; replaces proline 36 with leucine.
Molecular consequence: missense variant. On other transcripts: 5 prime UTR variant (1).
Genome position (GRCh38, 1-based): chr11:20,601,232, C>T. VCF-style: chr11-20601232-C-T. GRCh37 (hg19) VCF-style: chr11-20622778-C-T.
Other names: c.-457C>T (NM_001318369.2); short protein forms P36L.
Identifiers: ClinVar variation 1353349 (VCV001353349.8), dbSNP rs2133767771, ClinGen allele CA379910871.